The following is an entry in ClinVar:

ClinVar aggregate classification (germline): Uncertain significance (1 of 4 stars; one submission).

Allele frequency attached by ClinVar (database versions not stated): gnomAD exomes below 0.00001; TOPMed below 0.00001; gnomAD 0.00001.
gnomAD v4.1: 2 of 1,614,000 alleles (0.00012%); highest among the groups gnomAD compares: Admixed American, 0.0033%; no homozygotes.

Submission:

Labcorp Genetics (formerly Invitae), Labcorp
Classification: Uncertain significance. Last evaluated: 2024-08-14. Review status: criteria provided, single submitter. Criteria: Invitae Variant Classification Sherloc (09022015). Collection method: clinical testing. Allele origin: germline.
Comment: This sequence change replaces serine, which is neutral and polar, with cysteine, which is neutral and slightly polar, at codon 609 of the MYO5B protein (p.Ser609Cys). This variant is present in population databases (no rsID available, gnomAD no frequency). This variant has not been reported in the literature in individuals affected with MYO5B-related conditions. ClinVar contains an entry for this variant (Variation ID: 1480547). Invitae Evidence Modeling of protein sequence and biophysical properties (such as structural, functional, and spatial information, amino acid conservation, physicochemical variation, residue mobility, and thermodynamic stability) indicates that this missense variant is not expected to disrupt MYO5B protein function with a negative predictive value of 80%. In summary, the available evidence is currently insufficient to determine the role of this variant in disease. Therefore, it has been classified as a Variant of Uncertain Significance.

NM_001080467.3(MYO5B):c.1826C>G (p.Ser609Cys)

Gene: MYO5B (myosin VB; minus strand). Cytogenetic location: 18q21.1.
Variant type: single nucleotide variant.
Coding change: c.1826C>G on transcript NM_001080467.3 (MANE Select); coding-DNA position 1826, C replaced by G.
Protein change: p.Ser609Cys; replaces serine 609 with cysteine.
Molecular consequence: missense variant.
Genome position (GRCh38, 1-based): chr18:49,937,324, G>C on the plus strand (C>G on the coding strand, the complement: MYO5B is on the minus strand). VCF-style: chr18-49937324-G-C. GRCh37 (hg19) VCF-style: chr18-47463694-G-C.
Other names: short protein forms S609C.
Identifiers: ClinVar variation 1480547 (VCV001480547.5), dbSNP rs1416947630, ClinGen allele CA402445952.